The following is an entry in ClinVar:

NM_014975.3(MAST1):c.786C>T (p.Arg262=)

Gene: MAST1 (microtubule associated serine/threonine kinase 1; plus strand). Cytogenetic location: 19p13.13.
Variant type: single nucleotide variant.
Coding change: c.786C>T on transcript NM_014975.3 (MANE Select); coding-DNA position 786, C replaced by T.
Protein change: p.Arg262=; no amino-acid change (arginine 262 retained).
Molecular consequence: synonymous variant.
Genome position (GRCh38, 1-based): chr19:12,851,945, C>T. VCF-style: chr19-12851945-C-T. GRCh37 (hg19) VCF-style: chr19-12962759-C-T.
Identifiers: ClinVar variation 2498756 (VCV002498756.29), dbSNP rs2512526872, ClinGen allele CA505627543.

ClinVar aggregate classification (germline): Likely benign. Review status: criteria provided, multiple submitters, no conflicts (2 of 4 stars). 2 submissions from 2 submitters: Likely benign (2). Last evaluated 2025-01-01.

gnomAD v4.1: 1 of 1,613,892 alleles (0.000062%); highest among the groups gnomAD compares: Non-Finnish European, 0.000085%; no homozygotes.

Submissions (2):

CeGaT Center for Human Genetics Tuebingen
Classification: Likely benign. Last evaluated: 2025-01-01. Review status: criteria provided, single submitter. Criteria: CeGaT Center For Human Genetics Tuebingen Variant Classification Criteria Version 2. Collection method: clinical testing. Allele origin: germline. Affected: yes. Observed: 2 variant alleles.
Comment: MAST1: BP4, BP7

Blueprint Genetics
Classification: Likely benign. Last evaluated: 2024-10-11. Review status: criteria provided, single submitter. Criteria: ACMG Guidelines, 2015. Collection method: clinical testing. Allele origin: germline.